The following is an entry in ClinVar:

ClinVar aggregate classification (germline): Pathogenic (1 of 4 stars; one submission).

Conditions:
Succinate-semialdehyde dehydrogenase deficiency (SSADHD). Also called: SSADH DEFICIENCY; 4-HYDROXYBUTYRIC ACIDURIA; GABA METABOLIC DEFECT; Succinic Semialdehyde Dehydrogenase Deficiency. Identifiers: Orphanet 22, MedGen C0268631, MONDO:0010083, OMIM 271980.

Submission:

Labcorp Genetics (formerly Invitae), Labcorp
Classification: Pathogenic for Succinate-semialdehyde dehydrogenase deficiency. Last evaluated: 2022-12-08. Review status: criteria provided, single submitter. Criteria: Invitae Variant Classification Sherloc (09022015). Collection method: clinical testing. Allele origin: germline.
Comment: For these reasons, this variant has been classified as Pathogenic. This sequence change affects a donor splice site in intron 9 of the ALDH5A1 gene. RNA analysis indicates that disruption of this splice site induces altered splicing and likely disrupts the C-terminus of the protein. This variant is not present in population databases (gnomAD no frequency). Disruption of this splice site has been observed in individual(s) with succinic semialdehyde dehydrogenase deficiency (PMID: 9683595). It has also been observed to segregate with disease in related individuals. Variants that disrupt the consensus splice site are a relatively common cause of aberrant splicing (PMID: 17576681, 9536098). Studies have shown that disruption of this splice site results in skipping of exon 9 and introduces a new termination codon (PMID: 9683595). However the mRNA is not expected to undergo nonsense-mediated decay.

Literature cited by the submitters: PubMed 9683595; PubMed 17576681; PubMed 9536098.

NM_001080.3(ALDH5A1):c.1402+2T>C

Gene: ALDH5A1 (aldehyde dehydrogenase 5 family member A1; plus strand). Cytogenetic location: 6p22.3.
Variant type: single nucleotide variant.
Coding change: c.1402+2T>C on transcript NM_001080.3 (MANE Select); the canonical splice donor site of the intron after coding-DNA position 1402, T replaced by C.
Molecular consequence: splice donor variant.
Genome position (GRCh38, 1-based): chr6:24,532,179, T>C. VCF-style: chr6-24532179-T-C. GRCh37 (hg19) VCF-style: chr6-24532407-T-C.
Other names: c.1441+2T>C (NM_170740.1); c.1258+2T>C (NM_001368954.1).
Identifiers: ClinVar variation 2776015 (VCV002776015.3), dbSNP rs746095345, ClinGen allele CA136113084.